The following is an entry in ClinVar:

ClinVar aggregate classification (germline): Uncertain significance. Review status: criteria provided, multiple submitters, no conflicts (2 of 4 stars). 2 submissions from 2 submitters: Uncertain significance (2). Last evaluated 2025-04-30.

Conditions:
BRPF1-related disorder. Also called: BRPF1-related condition.

gnomAD v4.1: 1 of 1,598,742 alleles (0.000063%); highest among the groups gnomAD compares: Non-Finnish European, 0.000085%; no homozygotes.

Submissions (2):

PreventionGenetics, part of Exact Sciences
Classification: Uncertain significance for BRPF1-related condition. Last evaluated: 2025-04-30. Review status: criteria provided, single submitter. Criteria: ACMG Guidelines, 2015. Collection method: clinical testing. Allele origin: germline.
Comment: The BRPF1 c.3446A>G variant is predicted to result in the amino acid substitution p.Tyr1149Cys. To our knowledge, this variant has not been reported in the literature or in a large population database (gnomAD), indicating this variant is rare. At this time, the clinical significance of this variant is uncertain due to the absence of conclusive functional and genetic evidence.

GeneDx
Classification: Uncertain significance. Last evaluated: 2021-08-28. Review status: criteria provided, single submitter. Criteria: GeneDx Variant Classification Process June 2021. Collection method: clinical testing. Allele origin: germline. Affected: yes.
Comment: Not observed in large population cohorts (Lek et al., 2016); In silico analysis, which includes protein predictors and evolutionary conservation, supports a deleterious effect; Has not been previously published as pathogenic or benign to our knowledge

NM_001003694.2(BRPF1):c.3446A>G (p.Tyr1149Cys)

Gene: BRPF1 (bromodomain and PHD finger containing 1; plus strand). Cytogenetic location: 3p25.3.
Variant type: single nucleotide variant.
Coding change: c.3446A>G on transcript NM_001003694.2 (MANE Select); coding-DNA position 3446, A replaced by G.
Protein change: p.Tyr1149Cys; replaces tyrosine 1149 with cysteine.
Molecular consequence: missense variant. On other transcripts: non-coding transcript variant (1).
Genome position (GRCh38, 1-based): chr3:9,746,421, A>G. VCF-style: chr3-9746421-A-G. GRCh37 (hg19) VCF-style: chr3-9788105-A-G.
Other names: c.3143A>G, p.Tyr1048Cys (NM_001319049.2); c.3425A>G, p.Tyr1142Cys (NM_001319050.2); c.3428A>G, p.Tyr1143Cys (NM_004634.3); short protein forms Y1048C, Y1142C, Y1143C, Y1149C.
Identifiers: ClinVar variation 1218778 (VCV001218778.5), dbSNP rs2125516303, ClinGen allele CA351705702.